The following is an entry in ClinVar:

NM_000540.3(RYR1):c.9091G>A (p.Ala3031Thr)

Gene: RYR1 (ryanodine receptor 1; plus strand). Cytogenetic location: 19q13.2.
Variant type: single nucleotide variant.
Coding change: c.9091G>A on transcript NM_000540.3 (MANE Select); coding-DNA position 9091, G replaced by A.
Protein change: p.Ala3031Thr; replaces alanine 3031 with threonine.
Molecular consequence: missense variant.
Genome position (GRCh38, 1-based): chr19:38,510,750, G>A. VCF-style: chr19-38510750-G-A. GRCh37 (hg19) VCF-style: chr19-39001390-G-A.
Other names: c.9091G>A, p.Ala3031Thr (NM_001042723.2); short protein forms A3031T.
Identifiers: ClinVar variation 329084 (VCV000329084.13), dbSNP rs756311466, ClinGen allele CA073133.

ClinVar aggregate classification (germline): Uncertain significance. Review status: criteria provided, multiple submitters, no conflicts (2 of 4 stars). 8 submissions from 6 submitters: Uncertain significance (8). Last evaluated 2025-12-16.

Conditions:
Congenital multicore myopathy with external ophthalmoplegia (CMYO1B). Also called: MULTIMINICORE DISEASE WITH EXTERNAL OPHTHALMOPLEGIA; MULTICORE MYOPATHY; Congenital myopathy 1B, autosomal recessive; Minicore myopathy; Minicore myopathy with external ophthalmoplegia. Identifiers: Orphanet 598, Orphanet 98905, MedGen C1850674, MONDO:0009712, OMIM 255320, HP:0003789.
Malignant hyperthermia, susceptibility to, 1 (MHS1). Also called: Anesthesia related hyperthermia; Malignant hyperpyrexia; Fulminating hyperpyrexia; Pharmacogenic myopathy; RYR1-Related Malignant Hyperthermia Susceptibility; Malignant hyperthermia suceptibility 1. Identifiers: Orphanet 423, MedGen C2930980, MONDO:0007783, OMIM 145600.
Central core myopathy (CMYO1A). Also called: CONGENITAL MYOPATHY 1A, AUTOSOMAL DOMINANT, WITH SUSCEPTIBILITY TO MALIGNANT HYPERTHERMIA; Central core disease; Myopathy, central fibrillar. Identifiers: Orphanet 597, MedGen C5830701, MONDO:0007294, OMIM 117000.
RYR1-related disorder. Also called: RYR1-related disorders; RYR1-related condition. Identifiers: MedGen CN239331.

Allele frequency attached by ClinVar (database versions not stated): gnomAD 0.00003 and 0.00004; gnomAD exomes 0.00003 and 0.00006; TOPMed 0.00003; ExAC 0.00005.
gnomAD v4.1: 98 of 1,614,046 alleles (0.0061%); highest among the groups gnomAD compares: Non-Finnish European, 0.0074%; no homozygotes.

Submissions (8):

Labcorp Genetics (formerly Invitae), Labcorp
Classification: Uncertain significance for RYR1-related disorder. Last evaluated: 2025-12-16. Review status: criteria provided, single submitter. Criteria: Invitae Variant Classification Sherloc (09022015). Collection method: clinical testing. Allele origin: germline.
Comment: This sequence change replaces alanine, which is neutral and non-polar, with threonine, which is neutral and polar, at codon 3031 of the RYR1 protein (p.Ala3031Thr). This variant is present in population databases (rs756311466, gnomAD 0.006%). This missense change has been observed in individual(s) with clinical features of central core disease (internal data). ClinVar contains an entry for this variant (Variation ID: 329084). Invitae Evidence Modeling of protein sequence and biophysical properties (such as structural, functional, and spatial information, amino acid conservation, physicochemical variation, residue mobility, and thermodynamic stability) indicates that this missense variant is expected to disrupt RYR1 protein function with a positive predictive value of 80%. In summary, the available evidence is currently insufficient to determine the role of this variant in disease. Therefore, it has been classified as a Variant of Uncertain Significance.

Color Diagnostics, LLC DBA Color Health
Classification: Uncertain significance for Malignant hyperthermia, susceptibility to, 1. Last evaluated: 2024-05-21. Review status: criteria provided, single submitter. Criteria: ACMG Guidelines, 2015. Collection method: clinical testing. Allele origin: germline.
Comment: This missense variant replaces alanine with threonine at codon 3031 of the RYR1 protein. Computational prediction suggests that this variant may not impact protein structure and function. To our knowledge, functional studies have not been reported for this variant. This variant has not been reported in individuals affected with RYR1-related disorders in the literature. This variant has been identified in 8/282884 chromosomes in the general population by the Genome Aggregation Database (gnomAD). The available evidence is insufficient to determine the role of this variant in disease conclusively. Therefore, this variant is classified as a Variant of Uncertain Significance.

Blueprint Genetics
Classification: Uncertain significance. Last evaluated: 2022-08-30. Review status: criteria provided, single submitter. Criteria: ACMG Guidelines, 2015. Collection method: clinical testing. Allele origin: germline.

GeneDx
Classification: Uncertain significance. Last evaluated: 2019-12-24. Review status: criteria provided, single submitter. Criteria: GeneDx Variant Classification Process June 2021. Collection method: clinical testing. Allele origin: germline. Affected: yes.
Comment: Not observed at a significant frequency in large population cohorts (Lek et al., 2016); In silico analysis, which includes protein predictors and evolutionary conservation, supports a deleterious effect; Has not been previously published as pathogenic or benign to our knowledge

Revvity Omics, Revvity
Classification: Uncertain significance. Last evaluated: 2019-02-27. Review status: criteria provided, single submitter. Criteria: ACMG Guidelines, 2015. Collection method: clinical testing. Allele origin: germline.

Illumina Laboratory Services, Illumina
Classification: Uncertain significance for Central core myopathy. Last evaluated: 2018-01-12. Review status: criteria provided, single submitter. Criteria: ICSL Variant Classification Criteria 13 December 2019. Collection method: clinical testing. Allele origin: germline.

Illumina Laboratory Services, Illumina
Classification: Uncertain significance for Malignant hyperthermia, susceptibility to, 1. Last evaluated: 2018-01-12. Review status: criteria provided, single submitter. Criteria: ICSL Variant Classification Criteria 13 December 2019. Collection method: clinical testing. Allele origin: germline.

Illumina Laboratory Services, Illumina
Classification: Uncertain significance for Congenital multicore myopathy with external ophthalmoplegia. Last evaluated: 2018-01-12. Review status: criteria provided, single submitter. Criteria: ICSL Variant Classification Criteria 13 December 2019. Collection method: clinical testing. Allele origin: germline.